The following is an entry in ClinVar:

NM_000548.5(TSC2):c.291C>G (p.Ala97=)

Gene: TSC2 (TSC complex subunit 2; plus strand). Cytogenetic location: 16p13.3.
Variant type: single nucleotide variant.
Coding change: c.291C>G on transcript NM_000548.5 (MANE Select); coding-DNA position 291, C replaced by G.
Protein change: p.Ala97=; no amino-acid change (alanine 97 retained).
Molecular consequence: synonymous variant. On other transcripts: intron variant (2).
Genome position (GRCh38, 1-based): chr16:2,053,407, C>G. VCF-style: chr16-2053407-C-G. GRCh37 (hg19) VCF-style: chr16-2103408-C-G.
Other names: p.Ala97=; c.291C>G (NM_000548.4); c.291C>G, p.Ala97= (NM_001077183.3, NM_001114382.3, NM_001363528.2 and 3 more transcripts); c.144C>G, p.Ala48= (NM_001318829.2); c.324C>G, p.Ala108= (NM_001318832.2); c.226-889C>G (NM_001318827.2); c.-1-2789C>G (NM_001318831.2).
Identifiers: ClinVar variation 238003 (VCV000238003.57), dbSNP rs137933794, ClinGen allele CA042768.

ClinVar aggregate classification (germline): Benign/Likely benign. Review status: criteria provided, multiple submitters, no conflicts (2 of 4 stars). 17 submissions from 17 submitters: Benign (12); Likely benign (3). 2 of the submissions do not count toward it. Last evaluated 2026-02-03.

Conditions:
Tuberous sclerosis 2 (TSC2). Identifiers: Orphanet 805, MedGen C1860707, MONDO:0013199, OMIM 613254.
Lymphangiomyomatosis (LAM). Also called: Lymphangioleiomyomatosis; Lymphangioleiomyomatosis, somatic. Identifiers: Orphanet 538, MedGen C0751674, MONDO:0011705, OMIM 606690.
Isolated focal cortical dysplasia type II (FCORD2). Also called: CORTICAL DYSPLASIA OF TAYLOR; Focal cortical dysplasia type II. Identifiers: Orphanet 268994, MedGen C1846385, MONDO:0011818, OMIM 607341, HP:0032051.
Tuberous sclerosis syndrome (TSC). Also called: Tuberous Sclerosis Complex; Tuberous sclerosis. Identifiers: Orphanet 805, MedGen C0041341, MONDO:0001734.
Hereditary cancer-predisposing syndrome. Also called: Tumor predisposition; Hereditary Cancer Syndrome; Neoplastic Syndromes, Hereditary; Hereditary neoplastic syndrome. Identifiers: Orphanet 140162, MedGen C0027672, MeSH D009386, MONDO:0015356.

Allele frequency attached by ClinVar (database versions not stated): gnomAD exomes 0.00015 and 0.00063; gnomAD 0.00028 and 0.00036; TOPMed 0.00031; ExAC 0.00097; 1000 Genomes Project 30x 0.00109; 1000 Genomes Project 0.00140.
gnomAD v4.1: 292 of 1,589,180 alleles (0.018%); highest among the groups gnomAD compares: East Asian, 0.59%; 1 homozygote.

Submissions (17):

Labcorp Genetics (formerly Invitae), Labcorp
Classification: Benign for Tuberous sclerosis 2. Last evaluated: 2026-02-03. Review status: criteria provided, single submitter. Criteria: Invitae Variant Classification Sherloc (09022015). Collection method: clinical testing. Allele origin: germline.

CeGaT Center for Human Genetics Tuebingen
Classification: Likely benign. Last evaluated: 2025-09-01. Review status: criteria provided, single submitter. Criteria: CeGaT Center For Human Genetics Tuebingen Variant Classification Criteria Version 2. Collection method: clinical testing. Allele origin: germline. Affected: yes. Observed: 3 variant alleles.
Comment: TSC2: BP4, BP7

Myriad Genetics, Inc.
Classification: Benign for Tuberous sclerosis 2. Last evaluated: 2025-05-02. Review status: criteria provided, single submitter. Criteria: Myriad Autosomal Dominant, Autosomal Recessive and X-Linked Classification Criteria (2023). Collection method: clinical testing. Allele origin: unknown.
Comment: This variant is considered benign. This variant is a silent/synonymous amino acid change and it is not expected to impact splicing.

KCCC/NGS Laboratory, Kuwait Cancer Control Center
Classification: Benign for Tuberous sclerosis 2. Last evaluated: 2025-02-01. Review status: criteria provided, single submitter. Criteria: ACMG Guidelines, 2015. Collection method: clinical testing. Allele origin: germline. Affected: no.

Mayo Clinic Laboratories, Mayo Clinic
Classification: Benign. Last evaluated: 2025-01-30. Review status: criteria provided, single submitter. Criteria: ACMG Guidelines, 2015. Collection method: clinical testing. Allele origin: germline. Observed: 1 variant allele.
Comment: BS1, BS2, BP4, BP7

Blueprint Genetics
Classification: Likely benign. Last evaluated: 2024-09-23. Review status: criteria provided, single submitter. Criteria: ACMG Guidelines, 2015. Collection method: clinical testing. Allele origin: germline.

All of Us Research Program, National Institutes of Health
Classification: Benign for Tuberous sclerosis syndrome. Last evaluated: 2024-02-05. Review status: criteria provided, single submitter. Criteria: ACMG Guidelines, 2015. Collection method: clinical testing. Allele origin: germline. Inheritance: Autosomal dominant inheritance. Observed: 50 variant alleles, 50 heterozygotes.
Comment: This study involves interpretation of variants in research participants for the purpose of population health screening. Participant phenotype was not available at the time of variant classification. Additional details can be found in publication PMID: 35346344, PMCID: PMC8962531

Department of Pathology and Laboratory Medicine, Sinai Health System
Classification: Benign for Lymphangiomyomatosis; Isolated focal cortical dysplasia type II; Tuberous sclerosis 2. Last evaluated: 2022-12-08. Review status: criteria provided, single submitter. Criteria: ACMG Guidelines, 2015. Collection method: clinical testing. Allele origin: germline. Affected: yes.

Color Diagnostics, LLC DBA Color Health
Classification: Benign for Tuberous sclerosis syndrome. Last evaluated: 2022-09-09. Review status: criteria provided, single submitter. Criteria: ACMG Guidelines, 2015. Collection method: clinical testing. Allele origin: germline.

Genome-Nilou Lab
Classification: Benign for Tuberous sclerosis 2. Last evaluated: 2021-11-07. Review status: criteria provided, single submitter. Criteria: ACMG Guidelines, 2015. Collection method: clinical testing. Allele origin: germline. Affected: no.

Sema4
Classification: Benign for Hereditary cancer-predisposing syndrome. Last evaluated: 2020-10-29. Review status: criteria provided, single submitter. Criteria: Sema4 Curation Guidelines. Collection method: curation. Allele origin: germline.

Illumina Laboratory Services, Illumina
Classification: Benign for Tuberous sclerosis syndrome. Last evaluated: 2018-01-12. Review status: criteria provided, single submitter. Criteria: ICSL Variant Classification Criteria 13 December 2019. Collection method: clinical testing. Allele origin: germline.
Comment: This variant was observed in the ICSL laboratory as part of a predisposition screen in an ostensibly healthy population. It had not been previously curated by ICSL or reported in the Human Gene Mutation Database (HGMD: prior to June 1st, 2018), and was therefore a candidate for classification through an automated scoring system. Utilizing variant allele frequency, disease prevalence and penetrance estimates, and inheritance mode, an automated score was calculated to assess if this variant is too frequent to cause the disease. Based on the score and internal cut-off values, a variant classified as benign is not then subjected to further curation. The score for this variant resulted in a classification of benign for this disease.

GeneDx
Classification: Benign. Last evaluated: 2015-09-18. Review status: criteria provided, single submitter. Criteria: GeneDx Variant Classification (06012015). Collection method: clinical testing. Allele origin: germline. Affected: yes.
Comment: This variant is considered likely benign or benign based on one or more of the following criteria: it is a conservative change, it occurs at a poorly conserved position in the protein, it is predicted to be benign by multiple in silico algorithms, and/or has population frequency not consistent with disease.

Ambry Genetics
Classification: Likely benign for Hereditary cancer-predisposing syndrome. Last evaluated: 2015-01-15. Review status: criteria provided, single submitter. Criteria: Ambry Variant Classification Scheme 2023. Collection method: clinical testing. Allele origin: germline.

PreventionGenetics, part of Exact Sciences
Classification: Benign. Review status: criteria provided, single submitter. Criteria: ACMG Guidelines, 2015. Collection method: clinical testing. Allele origin: germline.

Clinical Genetics, Academic Medical Center
Classification: Benign. Review status: no assertion criteria provided. Collection method: clinical testing. Allele origin: germline. Affected: yes. Study: VKGL Data-share Consensus. Not counted in ClinVar's aggregate classification.

Genome Diagnostics Laboratory, Amsterdam University Medical Center
Classification: Benign. Review status: no assertion criteria provided. Collection method: clinical testing. Allele origin: germline. Affected: yes. Study: VKGL Data-share Consensus. Not counted in ClinVar's aggregate classification.